The following is an entry in ClinVar:

NM_177438.3(DICER1):c.1307C>T (p.Ser436Phe)

Gene: DICER1 (dicer 1, ribonuclease III; minus strand). Cytogenetic location: 14q32.13.
Variant type: single nucleotide variant.
Coding change: c.1307C>T on transcript NM_177438.3 (MANE Select); coding-DNA position 1307, C replaced by T.
Protein change: p.Ser436Phe; replaces serine 436 with phenylalanine.
Molecular consequence: missense variant.
Genome position (GRCh38, 1-based): chr14:95,124,265, G>A on the plus strand (C>T on the coding strand, the complement: DICER1 is on the minus strand). VCF-style: chr14-95124265-G-A. GRCh37 (hg19) VCF-style: chr14-95590602-G-A.
Other names: c.1307C>T, p.Ser436Phe (NM_001195573.1, NM_001271282.3, NM_001291628.2 and 1 more transcripts); short protein forms S436F.
Identifiers: ClinVar variation 838084 (VCV000838084.12), dbSNP rs1213682122, ClinGen allele CA390886262.
Genomic context (GRCh38, chr14:95,124,265, plus strand): 5'-ACAACTGCTGTGTATCTTCTTTCCACAAAAATAATTCCGCACAAAATGTTGGTAAAAGGA[G>A]AAGGAAAATTTGTCTCTGGCTTCTCTTTTTCTTCAATTTCTTCATCCTCATCATCATCCT-3'
Protein context (NP_803187.1, residues 426-446): EKEKPETNFP[Ser436Phe]PFTNILCGII

ClinVar aggregate classification (germline): Uncertain significance. Review status: criteria provided, multiple submitters, no conflicts (2 of 4 stars). 2 submissions from 2 submitters: Uncertain significance (2). Last evaluated 2025-03-30.

Conditions:
Hereditary cancer-predisposing syndrome. Also called: Neoplastic Syndromes, Hereditary; Hereditary neoplastic syndrome; Tumor predisposition; Hereditary Cancer Syndrome. Identifiers: Orphanet 140162, MedGen C0027672, MeSH D009386, MONDO:0015356.
DICER1-related tumor predisposition. Also called: DICER1-related pleuropulmonary blastoma cancer predisposition syndrome; DICER1 syndrome. Identifiers: Orphanet 284343, MedGen C3839822, MONDO:0100216.

Allele frequency attached by ClinVar (database versions not stated): TOPMed below 0.00001; gnomAD 0.00001.
gnomAD v4.1: 1 of 1,613,794 alleles (0.000062%); highest among the groups gnomAD compares: African/African-American, 0.0013%; no homozygotes.

Submissions (2):

Labcorp Genetics (formerly Invitae), Labcorp
Classification: Uncertain significance for DICER1-related tumor predisposition. Last evaluated: 2025-03-30. Review status: criteria provided, single submitter. Criteria: Invitae Variant Classification Sherloc (09022015). Collection method: clinical testing. Allele origin: germline.
Comment: This sequence change replaces serine, which is neutral and polar, with phenylalanine, which is neutral and non-polar, at codon 436 of the DICER1 protein (p.Ser436Phe). This variant is present in population databases (no rsID available, gnomAD 0.01%). This variant has not been reported in the literature in individuals affected with DICER1-related conditions. ClinVar contains an entry for this variant (Variation ID: 838084). Invitae Evidence Modeling of protein sequence and biophysical properties (such as structural, functional, and spatial information, amino acid conservation, physicochemical variation, residue mobility, and thermodynamic stability) indicates that this missense variant is not expected to disrupt DICER1 protein function with a negative predictive value of 95%. In summary, the available evidence is currently insufficient to determine the role of this variant in disease. Therefore, it has been classified as a Variant of Uncertain Significance.

Ambry Genetics
Classification: Uncertain significance for Hereditary cancer-predisposing syndrome. Last evaluated: 2024-08-05. Review status: criteria provided, single submitter. Criteria: Ambry Variant Classification Scheme 2023. Collection method: clinical testing. Allele origin: germline.
Comment: The p.S436F variant (also known as c.1307C>T), located in coding exon 7 of the DICER1 gene, results from a C to T substitution at nucleotide position 1307. The serine at codon 436 is replaced by phenylalanine, an amino acid with highly dissimilar properties. This amino acid position is highly conserved in available vertebrate species. In addition, this alteration is predicted to be deleterious by in silico analysis. Based on the available evidence, the clinical significance of this variant remains unclear.